The following is an entry in ClinVar:

ClinVar aggregate classification (germline): Pathogenic. Review status: criteria provided, multiple submitters, no conflicts (2 of 4 stars). 2 submissions from 2 submitters: Pathogenic (2). Last evaluated 2025-05-22.

Conditions:
Hypertrophic cardiomyopathy. Also called: HYPERTROPHIC MYOCARDIOPATHY. Identifiers: Orphanet 217569, MedGen C0007194, MeSH D002312, MONDO:0005045, HP:0001639.
Cardiovascular phenotype. Identifiers: MedGen CN230736.

Submissions (2):

Labcorp Genetics (formerly Invitae), Labcorp
Classification: Pathogenic for Hypertrophic cardiomyopathy. Last evaluated: 2025-05-22. Review status: criteria provided, single submitter. Criteria: Invitae Variant Classification Sherloc (09022015). Collection method: clinical testing. Allele origin: germline.
Comment: This sequence change creates a premature translational stop signal (p.Glu451Serfs*15) in the MYBPC3 gene. It is expected to result in an absent or disrupted protein product. Loss-of-function variants in MYBPC3 are known to be pathogenic (PMID: 19574547). This variant is not present in population databases (gnomAD no frequency). This variant has not been reported in the literature in individuals affected with MYBPC3-related conditions. ClinVar contains an entry for this variant (Variation ID: 1770591). For these reasons, this variant has been classified as Pathogenic.

Ambry Genetics
Classification: Pathogenic for Cardiovascular phenotype. Last evaluated: 2022-08-24. Review status: criteria provided, single submitter. Criteria: Ambry Variant Classification Scheme 2023. Collection method: clinical testing. Allele origin: germline.
Comment: The c.1350delA pathogenic mutation, located in coding exon 15 of the MYBPC3 gene, results from a deletion of one nucleotide at nucleotide position 1350, causing a translational frameshift with a predicted alternate stop codon (p.E451Sfs*15). This variant is considered to be rare based on population cohorts in the Genome Aggregation Database (gnomAD). This alteration is expected to result in loss of function by premature protein truncation or nonsense-mediated mRNA decay. As such, this alteration is interpreted as a disease-causing mutation.

Literature cited by the submitters: PubMed 19574547 (cited by Labcorp Genetics (formerly Invitae), Labcorp).

NM_000256.3(MYBPC3):c.1350del (p.Glu451fs)

Gene: MYBPC3 (myosin binding protein C3; minus strand). Cytogenetic location: 11p11.2.
Variant type: Deletion.
Coding change: c.1350del on transcript NM_000256.3 (MANE Select); coding-DNA position 1350, one base deleted (A; older notation c.1350delA).
Protein change: p.Glu451fs; shifts the reading frame from glutamic acid 451.
Molecular consequence: frameshift variant.
Genome position (GRCh38, 1-based): chr11:47,343,022, T deleted on the plus strand (A on the coding strand, the reverse complement: MYBPC3 is on the minus strand); the first of 3 consecutive T bases (chr11:47,343,022-47,343,024); deleting any one gives the same sequence. VCF-style (leftmost placement, unchanged base first): chr11-47343021-CT-C. GRCh37 (hg19) VCF-style: chr11-47364572-CT-C.
Other names: c.1350delA (NM_000256.3); short protein forms E451fs.
Identifiers: ClinVar variation 1770591 (VCV001770591.3), dbSNP rs2495763967, ClinGen allele CA2580084275.